The following is an entry in ClinVar:

ClinVar aggregate classification (germline): Likely benign. Review status: criteria provided, single submitter (1 of 4 stars). 2 submissions from 2 submitters: Likely benign (1). 1 of the submissions does not count toward it. Last evaluated 2024-08-28.

Conditions:
CDHR1-related disorder. Also called: CDHR1-related condition.

Allele frequency attached by ClinVar (database versions not stated): ExAC 0.00038; 1000 Genomes Project 0.00100; TOPMed 0.00151; gnomAD exomes 0.00011; 1000 Genomes Project 30x 0.00109; gnomAD 0.00142.
gnomAD v4.1: 349 of 1,289,292 alleles (0.027%); highest among the groups gnomAD compares: African/African-American, 0.48%; 2 homozygotes.

Submissions (2):

Blueprint Genetics
Classification: Likely benign. Last evaluated: 2024-08-28. Review status: criteria provided, single submitter. Criteria: ACMG Guidelines, 2015. Collection method: clinical testing. Allele origin: germline.

PreventionGenetics, part of Exact Sciences
Classification: Likely benign for CDHR1-related condition. Last evaluated: 2020-01-30. Review status: no assertion criteria provided. Collection method: clinical testing. Allele origin: germline. Not counted in ClinVar's aggregate classification.
Comment: This variant is classified as likely benign based on ACMG/AMP sequence variant interpretation guidelines (Richards et al. 2015 PMID: 25741868, with internal and published modifications).

NM_001171971.3(CDHR1):c.2066A>G (p.Asn689Ser)

Gene: CDHR1 (cadherin related family member 1; plus strand). Cytogenetic location: 10q23.1.
Variant type: single nucleotide variant.
Coding change: c.2066A>G on transcript NM_001171971.3; coding-DNA position 2066, A replaced by G.
Protein change: p.Asn689Ser; replaces asparagine 689 with serine.
Molecular consequence: missense variant.
Genome position (GRCh38, 1-based): chr10:84,219,104, A>G. VCF-style: chr10-84219104-A-G. GRCh37 (hg19) VCF-style: chr10-85978860-A-G.
Other names: short protein forms N689S.
Identifiers: ClinVar variation 3052005 (VCV003052005.3), dbSNP rs553159069, ClinGen allele CA5580285.